The following is an entry in ClinVar:

NM_006031.6(PCNT):c.7309G>C (p.Gly2437Arg)

Gene: PCNT (pericentrin; plus strand). Cytogenetic location: 21q22.3.
Variant type: single nucleotide variant.
Coding change: c.7309G>C on transcript NM_006031.6 (MANE Select); coding-DNA position 7309, G replaced by C.
Protein change: p.Gly2437Arg; replaces glycine 2437 with arginine.
Molecular consequence: missense variant.
Genome position (GRCh38, 1-based): chr21:46,425,960, G>C. VCF-style: chr21-46425960-G-C. GRCh37 (hg19) VCF-style: chr21-47845874-G-C.
Other names: c.6955G>C, p.Gly2319Arg (NM_001315529.2); short protein forms G2437R, G2319R.
Identifiers: ClinVar variation 436217 (VCV000436217.17), dbSNP rs148384323, ClinGen allele CA10080605.

ClinVar aggregate classification (germline): Conflicting classifications of pathogenicity. Review status: criteria provided, conflicting classifications (1 of 4 stars). 6 submissions from 6 submitters: Uncertain significance (5); Likely benign (1). Last evaluated 2026-07-27.

Conditions:
PCNT-related disorder. Also called: PCNT-related condition.
Microcephalic osteodysplastic primordial dwarfism type II (MOPD2). Also called: OSTEODYSPLASTIC PRIMORDIAL DWARFISM, TYPE II; Microcephalic osteodysplastic primordial dwarfism with tooth abnormalities; MOPD II. Identifiers: Orphanet 2637, MedGen C0432246, MONDO:0008872, OMIM 210720.

Allele frequency attached by ClinVar (database versions not stated): ExAC 0.00052; ESP Exome Variant Server 0.00054; gnomAD exomes 0.00055; TOPMed 0.00063; gnomAD 0.00069 and 0.00073.
gnomAD v4.1: 1,833 of 1,613,954 alleles (0.11%); highest among the groups gnomAD compares: Non-Finnish European, 0.15%; no homozygotes.

Submissions (6):

PreventionGenetics, part of Exact Sciences
Classification: Uncertain significance for PCNT-related condition. Last evaluated: 2026-07-27. Review status: criteria provided, single submitter. Criteria: ACMG Guidelines, 2015. Collection method: clinical testing. Allele origin: germline.
Comment: The PCNT c.7309G>C variant is predicted to result in the amino acid substitution p.Gly2437Arg. To our knowledge, this variant has not been reported in the literature. This variant is reported in 0.098% of alleles in individuals of European (Non-Finnish) descent in gnomAD, which is more common than expected for an undocumented cause of disease. Although we suspect this variant may be benign, at this time, the clinical significance is uncertain due to the absence of conclusive functional and genetic evidence.

Blueprint Genetics
Classification: Likely benign. Last evaluated: 2024-11-15. Review status: criteria provided, single submitter. Criteria: ACMG Guidelines, 2015. Collection method: clinical testing. Allele origin: germline.

Labcorp Genetics (formerly Invitae), Labcorp
Classification: Uncertain significance. Last evaluated: 2022-10-31. Review status: criteria provided, single submitter. Criteria: Invitae Variant Classification Sherloc (09022015). Collection method: clinical testing. Allele origin: germline.
Comment: This sequence change replaces glycine, which is neutral and non-polar, with arginine, which is basic and polar, at codon 2437 of the PCNT protein (p.Gly2437Arg). This variant is present in population databases (rs148384323, gnomAD 0.09%), and has an allele count higher than expected for a pathogenic variant. This variant has not been reported in the literature in individuals affected with PCNT-related conditions. ClinVar contains an entry for this variant (Variation ID: 436217). Algorithms developed to predict the effect of missense changes on protein structure and function output the following: SIFT: "Tolerated"; PolyPhen-2: "Benign"; Align-GVGD: "Class C0". The arginine amino acid residue is found in multiple mammalian species, which suggests that this missense change does not adversely affect protein function. In summary, the available evidence is currently insufficient to determine the role of this variant in disease. Therefore, it has been classified as a Variant of Uncertain Significance.

Fulgent Genetics
Classification: Uncertain significance for Microcephalic osteodysplastic primordial dwarfism type II. Last evaluated: 2018-10-31. Review status: criteria provided, single submitter. Criteria: ACMG Guidelines, 2015. Collection method: clinical testing. Allele origin: unknown.

Illumina Laboratory Services, Illumina
Classification: Uncertain significance for Microcephalic osteodysplastic primordial dwarfism type II. Last evaluated: 2017-04-27. Review status: criteria provided, single submitter. Criteria: ICSL Variant Classification Criteria 13 December 2019. Collection method: clinical testing. Allele origin: germline.

Genetic Services Laboratory, University of Chicago
Classification: Uncertain significance. Last evaluated: 2017-02-02. Review status: criteria provided, single submitter. Criteria: ACMG Guidelines, 2015. Collection method: clinical testing. Allele origin: germline. Affected: no.